The following is an entry in ClinVar:

ClinVar aggregate classification (germline): Benign/Likely benign. Review status: criteria provided, multiple submitters, no conflicts (2 of 4 stars). 8 submissions from 8 submitters: Benign (1); Likely benign (7). Last evaluated 2026-01-31.

Conditions:
Hereditary nonpolyposis colorectal neoplasms. Identifiers: MedGen C0009405, MeSH D003123.
Lynch syndrome. Identifiers: Orphanet 144, MedGen C4552100, MONDO:0005835. Disease mechanism: loss of function.
Hereditary cancer-predisposing syndrome. Also called: Neoplastic Syndromes, Hereditary; Tumor predisposition; Hereditary Cancer Syndrome; Hereditary neoplastic syndrome. Identifiers: Orphanet 140162, MedGen C0027672, MeSH D009386, MONDO:0015356.
Lynch syndrome 5 (LYNCH5). Also called: Colorectal cancer, hereditary nonpolyposis, type 5; Hereditary non-polyposis colorectal cancer, type 5. Identifiers: Orphanet 144, MedGen C1833477, MONDO:0013710, OMIM 614350. Disease mechanism: loss of function.

Allele frequency attached by ClinVar (database versions not stated): gnomAD exomes below 0.00001 and 0.00001.
gnomAD v4.1: 2 of 1,614,048 alleles (0.00012%); highest among the groups gnomAD compares: Admixed American, 0.0033%; no homozygotes.

Submissions (8):

Labcorp Genetics (formerly Invitae), Labcorp
Classification: Likely benign for Hereditary nonpolyposis colorectal neoplasms. Last evaluated: 2026-01-31. Review status: criteria provided, single submitter. Criteria: Invitae Variant Classification Sherloc (09022015). Collection method: clinical testing. Allele origin: germline.

Myriad Genetics, Inc.
Classification: Benign for Lynch syndrome 5. Last evaluated: 2025-01-03. Review status: criteria provided, single submitter. Criteria: Myriad Autosomal Dominant, Autosomal Recessive and X-Linked Classification Criteria (2023). Collection method: clinical testing. Allele origin: unknown.
Comment: This variant is considered benign. This variant is a silent/synonymous amino acid change and it is not expected to impact splicing.

All of Us Research Program, National Institutes of Health
Classification: Likely benign for Lynch syndrome. Last evaluated: 2023-12-01. Review status: criteria provided, single submitter. Criteria: ACMG Guidelines, 2015. Collection method: clinical testing. Allele origin: germline. Inheritance: Autosomal dominant inheritance. Observed: 1 variant allele, 1 heterozygote.
Comment: This study involves interpretation of variants in research participants for the purpose of population health screening. Participant phenotype was not available at the time of variant classification. Additional details can be found in publication PMID: 35346344, PMCID: PMC8962531

Quest Diagnostics Nichols Institute San Juan Capistrano
Classification: Likely benign. Last evaluated: 2022-09-12. Review status: criteria provided, single submitter. Criteria: Quest Diagnostics criteria. Collection method: clinical testing. Allele origin: unknown.

Women's Health and Genetics/Laboratory Corporation of America, LabCorp
Classification: Likely benign. Last evaluated: 2021-12-12. Review status: criteria provided, single submitter. Criteria: LabCorp Variant Classification Summary - May 2015. Collection method: clinical testing. Allele origin: germline.

Color Diagnostics, LLC DBA Color Health
Classification: Likely benign for Hereditary cancer-predisposing syndrome. Last evaluated: 2018-11-16. Review status: criteria provided, single submitter. Criteria: ACMG Guidelines, 2015. Collection method: clinical testing. Allele origin: germline.

GeneDx
Classification: Likely benign. Last evaluated: 2018-05-24. Review status: criteria provided, single submitter. Criteria: GeneDx Variant Classification (06012015). Collection method: clinical testing. Allele origin: germline. Affected: yes.
Comment: This variant is considered likely benign or benign based on one or more of the following criteria: it is a conservative change, it occurs at a poorly conserved position in the protein, it is predicted to be benign by multiple in silico algorithms, and/or has population frequency not consistent with disease.

Ambry Genetics
Classification: Likely benign for Hereditary cancer-predisposing syndrome. Last evaluated: 2015-02-05. Review status: criteria provided, single submitter. Criteria: Ambry Variant Classification Scheme 2023. Collection method: clinical testing. Allele origin: germline.

NM_000179.3(MSH6):c.2853C>G (p.Leu951=)

Gene: MSH6 (mutS homolog 6; plus strand). Cytogenetic location: 2p16.3.
Variant type: single nucleotide variant.
Coding change: c.2853C>G on transcript NM_000179.3 (MANE Select); coding-DNA position 2853, C replaced by G.
Protein change: p.Leu951=; no amino-acid change (leucine 951 retained).
Molecular consequence: synonymous variant.
Genome position (GRCh38, 1-based): chr2:47,800,836, C>G. VCF-style: chr2-47800836-C-G. GRCh37 (hg19) VCF-style: chr2-48027975-C-G.
Other names: c.2463C>G, p.Leu821= (NM_001281492.2); c.1947C>G, p.Leu649= (NM_001281493.2, NM_001281494.2).
Identifiers: ClinVar variation 230361 (VCV000230361.23), dbSNP rs876658525, ClinGen allele CA10578121.